The following is an entry in ClinVar:

NM_001330078.2(NRXN1):c.1759+5T>C

Gene: NRXN1 (neurexin 1; minus strand). Cytogenetic location: 2p16.3.
Variant type: single nucleotide variant.
Coding change: c.1759+5T>C on transcript NM_001330078.2 (MANE Select); 5 bases into the intron after coding-DNA position 1759, T replaced by C.
Molecular consequence: intron variant.
Genome position (GRCh38, 1-based): chr2:50,552,582, A>G on the plus strand (T>C on the coding strand, the complement: NRXN1 is on the minus strand). VCF-style: chr2-50552582-A-G. GRCh37 (hg19) VCF-style: chr2-50779720-A-G.
Other names: c.1675+5T>C (NM_001330096.2, NM_001330087.2); c.1720+5T>C (NM_001330083.2, NM_001330084.2); c.1705+5T>C (NM_001330088.2); c.1756+5T>C (NM_001330093.2); c.1747+5T>C (NM_001330094.2); c.1735+5T>C (NM_001330095.2, NM_001330082.2, NM_001330077.2); c.1759+5T>C (NM_001330085.2, NM_004801.6, NM_001330086.2); c.1879+5T>C (NM_001135659.3).
Identifiers: ClinVar variation 3727302 (VCV003727302.2).

ClinVar aggregate classification (germline): Uncertain significance (1 of 4 stars; one submission).

Conditions:
Pitt-Hopkins-like syndrome 2 (PTHSL2). Identifiers: Orphanet 221150, Orphanet 600663, MedGen C3280479, MONDO:0013690, OMIM 614325.

Submission:

Labcorp Genetics (formerly Invitae), Labcorp
Classification: Uncertain significance for Pitt-Hopkins-like syndrome 2. Last evaluated: 2024-12-15. Review status: criteria provided, single submitter. Criteria: Invitae Variant Classification Sherloc (09022015). Collection method: clinical testing. Allele origin: germline.
Comment: This sequence change falls in intron 10 of the NRXN1 gene. It does not directly change the encoded amino acid sequence of the NRXN1 protein. It affects a nucleotide within the consensus splice site. This variant is not present in population databases (gnomAD no frequency). This variant has not been reported in the literature in individuals affected with NRXN1-related conditions. Variants that disrupt the consensus splice site are a relatively common cause of aberrant splicing (PMID: 17576681, 9536098). Algorithms developed to predict the effect of sequence changes on RNA splicing suggest that this variant is not likely to affect RNA splicing. In summary, the available evidence is currently insufficient to determine the role of this variant in disease. Therefore, it has been classified as a Variant of Uncertain Significance.

Literature cited by the submitters: PubMed 17576681; PubMed 9536098.